The following is an entry in ClinVar:

NM_001482.3(GATM):c.985C>A (p.Leu329Ile)

Gene: GATM (glycine amidinotransferase; minus strand). Cytogenetic location: 15q21.1.
Variant type: single nucleotide variant.
Coding change: c.985C>A on transcript NM_001482.3 (MANE Select); coding-DNA position 985, C replaced by A.
Protein change: p.Leu329Ile; replaces leucine 329 with isoleucine.
Molecular consequence: missense variant.
Genome position (GRCh38, 1-based): chr15:45,364,854, G>T on the plus strand (C>A on the coding strand, the complement: GATM is on the minus strand). VCF-style: chr15-45364854-G-T. GRCh37 (hg19) VCF-style: chr15-45657052-G-T.
Other names: c.598C>A, p.Leu200Ile (NM_001321015.2); short protein forms L200I, L329I.
Identifiers: ClinVar variation 2742771 (VCV002742771.3), dbSNP rs373802463, ClinGen allele CA392256689.

ClinVar aggregate classification (germline): Uncertain significance (1 of 4 stars; one submission).

Conditions:
Arginine:glycine amidinotransferase deficiency (CCDS3). Also called: L-Arginine:Glycine Amidinotransferase (AGAT) Deficiency; AGAT deficiency; L-Arginine:Glycine Amidinotransferase Deficiency; Creatine deficiency syndrome due to AGAT deficiency; GATM deficiency; Cerebral creatine deficiency syndrome 3. Identifiers: Orphanet 35704, MedGen C2675179, MONDO:0012996, OMIM 612718.

Submission:

Labcorp Genetics (formerly Invitae), Labcorp
Classification: Uncertain significance for Arginine:glycine amidinotransferase deficiency. Last evaluated: 2024-10-24. Review status: criteria provided, single submitter. Criteria: Invitae Variant Classification Sherloc (09022015). Collection method: clinical testing. Allele origin: germline.
Comment: This sequence change replaces leucine, which is neutral and non-polar, with isoleucine, which is neutral and non-polar, at codon 329 of the GATM protein (p.Leu329Ile). This variant is not present in population databases (gnomAD no frequency). This variant has not been reported in the literature in individuals affected with GATM-related conditions. Invitae Evidence Modeling of protein sequence and biophysical properties (such as structural, functional, and spatial information, amino acid conservation, physicochemical variation, residue mobility, and thermodynamic stability) indicates that this missense variant is not expected to disrupt GATM protein function with a negative predictive value of 95%. In summary, the available evidence is currently insufficient to determine the role of this variant in disease. Therefore, it has been classified as a Variant of Uncertain Significance.